The following is an entry in ClinVar:

NM_001374736.1(DST):c.12562A>G (p.Lys4188Glu)

Gene: DST (dystonin; minus strand). Cytogenetic location: 6p12.1.
Variant type: single nucleotide variant.
Coding change: c.12562A>G on transcript NM_001374736.1 (MANE Select); coding-DNA position 12562, A replaced by G.
Protein change: p.Lys4188Glu; replaces lysine 4188 with glutamic acid.
Molecular consequence: missense variant.
Genome position (GRCh38, 1-based): chr6:56,593,827, T>C on the plus strand (A>G on the coding strand, the complement: DST is on the minus strand). VCF-style: chr6-56593827-T-C. GRCh37 (hg19) VCF-style: chr6-56458625-T-C.
Other names: c.6205A>G, p.Lys2069Glu (NM_001144769.5); c.5791A>G, p.Lys1931Glu (NM_001144770.2); c.12562A>G, p.Lys4188Glu (NM_001374722.1); c.11929A>G, p.Lys3977Glu (NM_001374729.1); c.5671A>G, p.Lys1891Glu (NM_001374730.1, NM_001386100.1, NM_183380.4); c.12589A>G, p.Lys4197Glu (NM_001374734.1); c.4693A>G, p.Lys1565Glu (NM_015548.5); short protein forms K1891E, K1931E, K4197E, K2069E, K3977E, K1565E, K4188E.
Identifiers: ClinVar variation 1494528 (VCV001494528.6), dbSNP rs2152688632, ClinGen allele CA364525791.
Genomic context (GRCh38, chr6:56,593,827, plus strand): 5'-AAGATTTGGCAGCTTCCAACACTCTGTTTCCAGAAATTGTGATGTATCTCAAGTCACCTT[T>C]GTGAGAAATAACGTCTTCTGAGAAACTCTTCTGCCTCTTCAATTTGGTCATTAAACCATT-3'
Protein context (NP_001361665.1, residues 4178-4198): KSFSEDVISH[Lys4188Glu]GDLRYITISG

ClinVar aggregate classification (germline): Uncertain significance (1 of 4 stars; one submission).

Conditions:
Epidermolysis bullosa simplex 3, localized or generalized intermediate, with BP230 deficiency (EBS3). Also called: Epidermolysis bullosa simplex, autosomal recessive 2; Epidermolysis bullosa simplex due to BP230 deficiency. Identifiers: Orphanet 412181, MedGen C3809470, MONDO:0014180, OMIM 615425.
Hereditary sensory and autonomic neuropathy type 6. Also called: Neuropathy, hereditary sensory and autonomic, type VI; HSAN VI. Identifiers: Orphanet 314381, MedGen C3539003, MONDO:0013839, OMIM 614653.

Submission:

Labcorp Genetics (formerly Invitae), Labcorp
Classification: Uncertain significance for Epidermolysis bullosa simplex 3, localized or generalized intermediate, with BP230 deficiency; Hereditary sensory and autonomic neuropathy type 6. Last evaluated: 2020-11-28. Review status: criteria provided, single submitter. Criteria: Invitae Variant Classification Sherloc (09022015). Collection method: clinical testing. Allele origin: germline.
Comment: In summary, the available evidence is currently insufficient to determine the role of this variant in disease. Therefore, it has been classified as a Variant of Uncertain Significance. Experimental studies and prediction algorithms are not available or were not evaluated, and the functional significance of this variant is currently unknown. This variant has not been reported in the literature in individuals with DST-related conditions. This variant is not present in population databases (ExAC no frequency). This sequence change replaces lysine with glutamic acid at codon 1565 of the DST protein (p.Lys1565Glu). The DST gene has multiple clinically relevant transcripts. This variant occurs in alternate transcript NM_015548.4, and corresponds to NM_001723.5:c.*21690A>G in the primary transcript.